The following is an entry in ClinVar:

ClinVar aggregate classification (germline): Likely benign (1 of 4 stars; one submission).

Submission:

CeGaT Center for Human Genetics Tuebingen
Classification: Likely benign. Last evaluated: 2025-10-01. Review status: criteria provided, single submitter. Criteria: CeGaT Center For Human Genetics Tuebingen Variant Classification Criteria Version 2. Collection method: clinical testing. Allele origin: germline. Affected: yes. Observed: 1 variant allele.
Comment: INPP5K: PM2:Supporting, BP4, BP7

NM_016532.4(INPP5K):c.324C>G (p.Pro108=)

Gene: INPP5K (inositol polyphosphate-5-phosphatase K; minus strand). Cytogenetic location: 17p13.3.
Variant type: single nucleotide variant.
Coding change: c.324C>G on transcript NM_016532.4 (MANE Select); coding-DNA position 324, C replaced by G.
Protein change: p.Pro108=; no amino-acid change (proline 108 retained).
Molecular consequence: synonymous variant.
Genome position (GRCh38, 1-based): chr17:1,509,737, G>C on the plus strand (C>G on the coding strand, the complement: INPP5K is on the minus strand). VCF-style: chr17-1509737-G-C. GRCh37 (hg19) VCF-style: chr17-1413031-G-C.
Other names: c.96C>G, p.Pro32= (NM_001135642.2, NM_130766.3).
Identifiers: ClinVar variation 4534841 (VCV004534841.6).